The following is an entry in ClinVar:

NM_000016.6(ACADM):c.421C>T (p.Gln141Ter)

Gene: ACADM (acyl-CoA dehydrogenase medium chain; plus strand). Cytogenetic location: 1p31.1.
Variant type: single nucleotide variant.
Coding change: c.421C>T on transcript NM_000016.6 (MANE Select); coding-DNA position 421, C replaced by T.
Protein change: p.Gln141Ter; replaces glutamine 141 with a stop codon.
Molecular consequence: nonsense. On other transcripts: intron variant (1).
Genome position (GRCh38, 1-based): chr1:75,734,824, C>T. VCF-style: chr1-75734824-C-T. GRCh37 (hg19) VCF-style: chr1-76200509-C-T.
Other names: c.520C>T, p.Gln174Ter (NM_001286043.2); c.-100+1902C>T (NM_001286044.2); c.433C>T, p.Gln145Ter (NM_001127328.3); c.313C>T, p.Gln105Ter (NM_001286042.2); short protein forms Q105*, Q141*, Q145*, Q174*.
Identifiers: ClinVar variation 4814409 (VCV004814409.2).

ClinVar aggregate classification (germline): Pathogenic/Likely pathogenic. Review status: criteria provided, multiple submitters, no conflicts (2 of 4 stars). 2 submissions from 2 submitters: Pathogenic (1); Likely pathogenic (1). Last evaluated 2025-07-07.

Conditions:
Medium-chain acyl-coenzyme A dehydrogenase deficiency (ACADMD). Also called: ACADM DEFICIENCY; CARNITINE DEFICIENCY SECONDARY TO MEDIUM-CHAIN ACYL-CoA DEHYDROGENASE DEFICIENCY; MCADH DEFICIENCY; MCADD; Medium chain acyl-CoA dehydrogenase deficiency; MCAD Deficiency. Identifiers: Orphanet 42, MedGen C0220710, MONDO:0008721, OMIM 201450.

Submissions (2):

Natera, Inc.
Classification: Likely pathogenic for Medium Chain Acyl-CoA Dehydrogenase Deficiency. Last evaluated: 2025-07-07. Review status: criteria provided, single submitter. Criteria: Natera Variant Classification Schema (03/2026). Collection method: clinical testing. Allele origin: germline.
Comment: The c.421C>T variant in ACADM is a nonsense variant predicted to introduce a stop codon at amino acid 141. This variant is expected to result in nonsense mediated decay, truncation, or a dysfunctional protein product. This variant is rare in the general population with a frequency below the threshold expected for the associated phenotype(s). Given the available evidence, this variant is classified as Likely Pathogenic.

Myriad Genetics, Inc.
Classification: Pathogenic for Medium-chain acyl-coenzyme A dehydrogenase deficiency. Last evaluated: 2023-08-05. Review status: criteria provided, single submitter. Criteria: Myriad Autosomal Dominant, Autosomal Recessive and X-Linked Classification Criteria (2023). Collection method: clinical testing. Allele origin: unknown.
Comment: NM_000016.4(ACADM):c.421C>T(Q141*) is expected to be pathogenic in the context of medium-chain acyl-CoA dehydrogenase deficiency. This variant is predicted to lead to an abnormal or absent protein product due to the creation of a premature termination codon in ACADM, a gene where loss-of-function variants are known to be pathogenic. Please note: this variant was assessed in the context of healthy population screening.